The following is an entry in ClinVar:

ClinVar aggregate classification (germline): Benign/Likely benign. Review status: criteria provided, multiple submitters, no conflicts (2 of 4 stars). 3 submissions from 3 submitters: Benign (1); Likely benign (1). 1 of the submissions does not count toward it. Last evaluated 2025-10-10.

Conditions:
FASN-related disorder. Also called: FASN-related condition.
Epileptic encephalopathy. Identifiers: MedGen C0543888, HP:0200134.

Allele frequency attached by ClinVar (database versions not stated): ExAC 0.00026; ESP Exome Variant Server 0.00038; gnomAD 0.00040 and 0.00039; 1000 Genomes Project 30x 0.00047; gnomAD exomes 0.00049 and 0.00038; TOPMed 0.00056; 1000 Genomes Project 0.00040.
gnomAD v4.1: 788 of 1,612,822 alleles (0.049%); highest among the groups gnomAD compares: Admixed American, 0.15%; 1 homozygote.

Submissions (3):

Labcorp Genetics (formerly Invitae), Labcorp
Classification: Benign for Epileptic encephalopathy. Last evaluated: 2025-10-10. Review status: criteria provided, single submitter. Criteria: Invitae Variant Classification Sherloc (09022015). Collection method: clinical testing. Allele origin: germline.

Blueprint Genetics
Classification: Likely benign. Last evaluated: 2024-10-22. Review status: criteria provided, single submitter. Criteria: ACMG Guidelines, 2015. Collection method: clinical testing. Allele origin: germline.

PreventionGenetics, part of Exact Sciences
Classification: Likely benign for FASN-related condition. Last evaluated: 2019-03-07. Review status: no assertion criteria provided. Collection method: clinical testing. Allele origin: germline. Not counted in ClinVar's aggregate classification.
Comment: This variant is classified as likely benign based on ACMG/AMP sequence variant interpretation guidelines (Richards et al. 2015 PMID: 25741868, with internal and published modifications).

NM_004104.5(FASN):c.2757G>A (p.Leu919=)

Gene: FASN (fatty acid synthase; minus strand). Cytogenetic location: 17q25.3.
Variant type: single nucleotide variant.
Coding change: c.2757G>A on transcript NM_004104.5 (MANE Select); coding-DNA position 2757, G replaced by A.
Protein change: p.Leu919=; no amino-acid change (leucine 919 retained).
Molecular consequence: synonymous variant.
Genome position (GRCh38, 1-based): chr17:82,088,144, C>T on the plus strand (G>A on the coding strand, the complement: FASN is on the minus strand). VCF-style: chr17-82088144-C-T. GRCh37 (hg19) VCF-style: chr17-80046020-C-T.
Identifiers: ClinVar variation 462029 (VCV000462029.15), dbSNP rs147904451, ClinGen allele CA8852666.